The following is an entry in ClinVar:

NM_000037.4(ANK1):c.1998+10G>A

Gene: ANK1 (ankyrin 1; minus strand). Cytogenetic location: 8p11.21.
Variant type: single nucleotide variant.
Coding change: c.1998+10G>A on transcript NM_000037.4 (MANE Select); 10 bases into the intron after coding-DNA position 1998, G replaced by A.
Molecular consequence: intron variant.
Genome position (GRCh38, 1-based): chr8:41,708,768, C>T on the plus strand (G>A on the coding strand, the complement: ANK1 is on the minus strand). VCF-style: chr8-41708768-C-T. GRCh37 (hg19) VCF-style: chr8-41566286-C-T.
Other names: c.2097+10G>A (NM_001142446.2); c.1998+10G>A (NM_020477.3, NM_020475.3, NM_020476.3).
Identifiers: ClinVar variation 4981448 (VCV004981448.1).

ClinVar aggregate classification (germline): Likely benign (1 of 4 stars; one submission).

Conditions:
ANK1-related disorder. Also called: ANK1-related condition.

gnomAD v4.1: 2 of 1,613,552 alleles (0.00012%); highest among the groups gnomAD compares: Admixed American, 0.0033%; no homozygotes.

Submission:

PreventionGenetics, part of Exact Sciences
Classification: Likely benign for ANK1-related condition. Last evaluated: 2026-01-12. Review status: criteria provided, single submitter. Criteria: ACMG Guidelines, 2015. Collection method: clinical testing. Allele origin: germline.
Comment: This variant is classified as likely benign based on ACMG/AMP sequence variant interpretation guidelines (Richards et al. 2015 PMID: 25741868, with internal and published modifications).